The following is an entry in ClinVar:

NM_003072.5(SMARCA4):c.239A>T (p.His80Leu)

Gene: SMARCA4 (SWI/SNF related BAF chromatin remodeling complex subunit ATPase 4; plus strand). Cytogenetic location: 19p13.2.
Variant type: single nucleotide variant.
Coding change: c.239A>T on transcript NM_003072.5 (MANE Select); coding-DNA position 239, A replaced by T.
Protein change: p.His80Leu; replaces histidine 80 with leucine.
Molecular consequence: missense variant. On other transcripts: non-coding transcript variant (1).
Genome position (GRCh38, 1-based): chr19:10,985,289, A>T. VCF-style: chr19-10985289-A-T. GRCh37 (hg19) VCF-style: chr19-11095965-A-T.
Other names: c.239A>T, p.His80Leu (NM_001128844.3, NM_001128845.2, NM_001128846.2 and 6 more transcripts); short protein forms H80L.
Identifiers: ClinVar variation 1790673 (VCV001790673.6), dbSNP rs2145748661, ClinGen allele CA404055107.

ClinVar aggregate classification (germline): Uncertain significance. Review status: criteria provided, multiple submitters, no conflicts (2 of 4 stars). 2 submissions from 2 submitters: Uncertain significance (2). Last evaluated 2025-05-09.

Conditions:
Hereditary cancer-predisposing syndrome. Also called: Hereditary Cancer Syndrome; Hereditary neoplastic syndrome; Tumor predisposition; Neoplastic Syndromes, Hereditary. Identifiers: Orphanet 140162, MedGen C0027672, MeSH D009386, MONDO:0015356.
Rhabdoid tumor predisposition syndrome 2 (RTPS2). Identifiers: Orphanet 231108, Orphanet 69077, MedGen C2750074, MONDO:0013224, OMIM 613325.

Submissions (2):

Ambry Genetics
Classification: Uncertain significance for Hereditary cancer-predisposing syndrome. Last evaluated: 2025-05-09. Review status: criteria provided, single submitter. Criteria: Ambry Variant Classification Scheme 2023. Collection method: clinical testing. Allele origin: germline.
Comment: The p.H80L variant (also known as c.239A>T), located in coding exon 2 of the SMARCA4 gene, results from an A to T substitution at nucleotide position 239. The histidine at codon 80 is replaced by leucine, an amino acid with similar properties. This amino acid position is highly conserved in available vertebrate species. In addition, this alteration is predicted to be deleterious by in silico analysis. Based on the available evidence, the clinical significance of this variant remains unclear.

Labcorp Genetics (formerly Invitae), Labcorp
Classification: Uncertain significance for Rhabdoid tumor predisposition syndrome 2. Last evaluated: 2023-11-10. Review status: criteria provided, single submitter. Criteria: Invitae Variant Classification Sherloc (09022015). Collection method: clinical testing. Allele origin: germline.
Comment: This sequence change replaces histidine, which is basic and polar, with leucine, which is neutral and non-polar, at codon 80 of the SMARCA4 protein (p.His80Leu). This variant is not present in population databases (gnomAD no frequency). This variant has not been reported in the literature in individuals affected with SMARCA4-related conditions. ClinVar contains an entry for this variant (Variation ID: 1790673). Advanced modeling of protein sequence and biophysical properties (such as structural, functional, and spatial information, amino acid conservation, physicochemical variation, residue mobility, and thermodynamic stability) has been performed at Invitae for this missense variant, however the output from this modeling did not meet the statistical confidence thresholds required to predict the impact of this variant on SMARCA4 protein function. In summary, the available evidence is currently insufficient to determine the role of this variant in disease. Therefore, it has been classified as a Variant of Uncertain Significance.